The following is an entry in ClinVar:

ClinVar aggregate classification (germline): Benign/Likely benign. Review status: criteria provided, multiple submitters, no conflicts (2 of 4 stars). 3 submissions from 3 submitters: Benign (2); Likely benign (1). Last evaluated 2024-11-01.

Allele frequency attached by ClinVar (database versions not stated): gnomAD exomes 0.00043 and 0.00107; ExAC 0.00142; gnomAD 0.00435 and 0.00463; TOPMed 0.00472; 1000 Genomes Project 0.00559; 1000 Genomes Project 30x 0.00578; ESP Exome Variant Server 0.00615.
gnomAD v4.1: 1,334 of 1,614,098 alleles (0.083%); highest among the groups gnomAD compares: African/African-American, 1.6%; 17 homozygotes.

Submissions (3):

Blueprint Genetics
Classification: Likely benign. Last evaluated: 2024-11-01. Review status: criteria provided, single submitter. Criteria: ACMG Guidelines, 2015. Collection method: clinical testing. Allele origin: germline.

CeGaT Center for Human Genetics Tuebingen
Classification: Benign. Last evaluated: 2023-01-01. Review status: criteria provided, single submitter. Criteria: CeGaT Center For Human Genetics Tuebingen Variant Classification Criteria Version 2. Collection method: clinical testing. Allele origin: germline. Affected: yes. Observed: 2 variant alleles.
Comment: SATB1: PP2, BP4, BS1, BS2

Labcorp Genetics (formerly Invitae), Labcorp
Classification: Benign. Last evaluated: 2018-05-08. Review status: criteria provided, single submitter. Criteria: Invitae Variant Classification Sherloc (09022015). Collection method: clinical testing. Allele origin: germline.

NM_002971.6(SATB1):c.874A>G (p.Ser292Gly)

Gene: SATB1 (SATB homeobox 1; minus strand). Cytogenetic location: 3p24.3.
Variant type: single nucleotide variant.
Coding change: c.874A>G on transcript NM_002971.6 (MANE Select); coding-DNA position 874, A replaced by G.
Protein change: p.Ser292Gly; replaces serine 292 with glycine.
Molecular consequence: missense variant.
Genome position (GRCh38, 1-based): chr3:18,394,794, T>C on the plus strand (A>G on the coding strand, the complement: SATB1 is on the minus strand). VCF-style: chr3-18394794-T-C. GRCh37 (hg19) VCF-style: chr3-18436286-T-C.
Other names: c.874A>G, p.Ser292Gly (NM_001131010.4, NM_001195470.3, NM_001322871.2 and 4 more transcripts); c.658A>G, p.Ser220Gly (NM_001322876.2); short protein forms S220G, S292G.
Identifiers: ClinVar variation 767889 (VCV000767889.28), dbSNP rs139364302, ClinGen allele CA2282117.